The following is an entry in ClinVar:

NM_004369.4(COL6A3):c.8869G>A (p.Ala2957Thr)

Gene: COL6A3 (collagen type VI alpha 3 chain; minus strand). Cytogenetic location: 2q37.3.
Variant type: single nucleotide variant.
Coding change: c.8869G>A on transcript NM_004369.4 (MANE Select); coding-DNA position 8869, G replaced by A.
Protein change: p.Ala2957Thr; replaces alanine 2957 with threonine.
Molecular consequence: missense variant.
Genome position (GRCh38, 1-based): chr2:237,336,231, C>T on the plus strand (G>A on the coding strand, the complement: COL6A3 is on the minus strand). VCF-style: chr2-237336231-C-T. GRCh37 (hg19) VCF-style: chr2-238244874-C-T.
Other names: c.7048G>A, p.Ala2350Thr (NM_057166.5); c.8251G>A, p.Ala2751Thr (NM_057167.4); short protein forms A2350T, A2957T, A2751T.
Identifiers: ClinVar variation 2494649 (VCV002494649.4), dbSNP rs1700537024, ClinGen allele CA351191194.

ClinVar aggregate classification (germline): Uncertain significance. Review status: criteria provided, multiple submitters, no conflicts (2 of 4 stars). 2 submissions from 2 submitters: Uncertain significance (2). Last evaluated 2024-07-22.

Conditions:
Bethlem myopathy 1A. Also called: MYOPATHY, BENIGN CONGENITAL, WITH CONTRACTURES; Bethlem myopathy 1; Bethlem Muscular Dystrophy. Identifiers: Orphanet 610, MedGen CN029274, MONDO:0024530, OMIM 158810.
Inborn genetic diseases. Identifiers: MedGen C0950123, MeSH D030342.

Submissions (2):

Labcorp Genetics (formerly Invitae), Labcorp
Classification: Uncertain significance for Bethlem myopathy 1A. Last evaluated: 2024-07-22. Review status: criteria provided, single submitter. Criteria: Invitae Variant Classification Sherloc (09022015). Collection method: clinical testing. Allele origin: germline.
Comment: This sequence change replaces alanine, which is neutral and non-polar, with threonine, which is neutral and polar, at codon 2957 of the COL6A3 protein (p.Ala2957Thr). This variant is not present in population databases (gnomAD no frequency). This variant has not been reported in the literature in individuals affected with COL6A3-related conditions. ClinVar contains an entry for this variant (Variation ID: 2494649). Advanced modeling of protein sequence and biophysical properties (such as structural, functional, and spatial information, amino acid conservation, physicochemical variation, residue mobility, and thermodynamic stability) performed at Invitae indicates that this missense variant is not expected to disrupt COL6A3 protein function with a negative predictive value of 95%. In summary, the available evidence is currently insufficient to determine the role of this variant in disease. Therefore, it has been classified as a Variant of Uncertain Significance.

Ambry Genetics
Classification: Uncertain significance for Inborn genetic diseases. Last evaluated: 2023-03-06. Review status: criteria provided, single submitter. Criteria: Ambry Variant Classification Scheme 2023. Collection method: clinical testing. Allele origin: germline.